The following is an entry in ClinVar:

NM_001267550.2(TTN):c.79209G>T (p.Met26403Ile)

Genes: TTN (titin; minus strand), TTN-AS1 (TTN antisense RNA 1; plus strand). Cytogenetic location: 2q31.2.
Variant type: single nucleotide variant.
Coding change: c.79209G>T on transcript NM_001267550.2 (MANE Select); coding-DNA position 79209, G replaced by T.
Protein change: p.Met26403Ile; replaces methionine 26403 with isoleucine.
Molecular consequence: missense variant.
Genome position (GRCh38, 1-based): chr2:178,566,923, C>A on the plus strand (G>T on the coding strand, the complement: TTN is on the minus strand). VCF-style: chr2-178566923-C-A. GRCh37 (hg19) VCF-style: chr2-179431650-C-A.
Other names: c.74286G>T, p.Met24762Ile (NM_001256850.1); c.52014G>T, p.Met17338Ile (NM_003319.4); c.71505G>T, p.Met23835Ile (NM_133378.4); c.52389G>T, p.Met17463Ile (NM_133432.3); c.52590G>T, p.Met17530Ile (NM_133437.4); short protein forms M17530I, M23835I, M17338I, M17463I, M24762I, M26403I.
Identifiers: ClinVar variation 4979996 (VCV004979996.1).

ClinVar aggregate classification (germline): Uncertain significance (1 of 4 stars; one submission).

Conditions:
TTN-related disorder. Also called: TTN-related condition; TTN-related disease; TTN-related disorders.

gnomAD v4.1: 4 of 1,613,630 alleles (0.00025%); highest among the groups gnomAD compares: Non-Finnish European, 0.000085%; no homozygotes.

Submission:

PreventionGenetics, part of Exact Sciences
Classification: Uncertain significance for TTN-related condition. Last evaluated: 2026-08-17. Review status: criteria provided, single submitter. Criteria: ACMG Guidelines, 2015. Collection method: clinical testing. Allele origin: germline.
Comment: The TTN c.79209G>T variant is predicted to result in the amino acid substitution p.Met26403Ile. This variant has been reported in a cohort study of monogenic dilated cardiomyopathy (Table S3, Mazzarotto et al. 2020. PubMed ID: 31983221). This variant is not reported in a large population database (gnomAD), indicating this variant is rare. At this time, the clinical significance of this variant is uncertain due to the absence of conclusive functional and genetic evidence.